The following is an entry in ClinVar:

ClinVar aggregate classification (germline): Uncertain significance (1 of 4 stars; one submission).

Conditions:
Lissencephaly 8 (LIS8). Identifiers: MedGen C4310646, MONDO:0014992, OMIM 617255.

Allele frequency attached by ClinVar (database versions not stated): gnomAD 0.00001 and 0.00003; TOPMed 0.00002.
gnomAD v4.1: 3 of 1,613,678 alleles (0.00019%); highest among the groups gnomAD compares: African/African-American, 0.004%; no homozygotes.

Submission:

Baylor Genetics
Classification: Uncertain significance for Lissencephaly 8. Last evaluated: 2018-08-08. Review status: criteria provided, single submitter. Criteria: ACMG Guidelines, 2015. Collection method: clinical testing. Allele origin: maternal. Affected: yes.
Comment: This variant was determined to be of uncertain significance according to ACMG Guidelines, 2015 [PMID:25741868].

NM_181783.4(TMTC3):c.816T>A (p.Ala272=)

Gene: TMTC3 (transmembrane O-mannosyltransferase targeting cadherins 3; plus strand). Cytogenetic location: 12q21.32.
Variant type: single nucleotide variant.
Coding change: c.816T>A on transcript NM_181783.4 (MANE Select); coding-DNA position 816, T replaced by A.
Protein change: p.Ala272=; no amino-acid change (alanine 272 retained).
Molecular consequence: synonymous variant. On other transcripts: non-coding transcript variant (1).
Genome position (GRCh38, 1-based): chr12:88,166,348, T>A. VCF-style: chr12-88166348-T-A. GRCh37 (hg19) VCF-style: chr12-88560125-T-A.
Other names: c.636T>A, p.Ala212= (NM_001366574.1); c.597T>A, p.Ala199= (NM_001366579.1); c.549T>A, p.Ala183= (NM_001366580.1); c.123T>A, p.Ala41= (NM_001366583.1).
Identifiers: ClinVar variation 1033240 (VCV001033240.1), dbSNP rs1250204793, ClinGen allele CA481303838.